The following is an entry in ClinVar:

NM_001853.4(COL9A3):c.770_787del (p.Ile257_Gly262del)

Gene: COL9A3 (collagen type IX alpha 3 chain; plus strand). Cytogenetic location: 20q13.33.
Variant type: Deletion.
Coding change: c.770_787del on transcript NM_001853.4 (MANE Select); coding-DNA positions 770 to 787, 18 bases deleted (TCCCAGGAGCGCCTGGGA).
Protein change: p.Ile257_Gly262del.
Molecular consequence: inframe deletion.
Genome position (GRCh38, 1-based): chr20:62,826,798-62,826,815, TCCCAGGAGCGCCTGGGA deleted; deleting any 18 consecutive bases within chr20:62,826,789-62,826,815 gives the same sequence; the c. name uses the placement nearest the transcript's 3' end. VCF-style (leftmost placement, unchanged base first): chr20-62826788-CCGCCTGGGATCCCAGGAG-C. GRCh37 (hg19) VCF-style: chr20-61458140-CCGCCTGGGATCCCAGGAG-C.
Identifiers: ClinVar variation 1918616 (VCV001918616.5), dbSNP rs2063556719, ClinGen allele CA2374466627.

ClinVar aggregate classification (germline): Uncertain significance (1 of 4 stars; one submission).

Submission:

Labcorp Genetics (formerly Invitae), Labcorp
Classification: Uncertain significance. Last evaluated: 2022-12-02. Review status: criteria provided, single submitter. Criteria: Invitae Variant Classification Sherloc (09022015). Collection method: clinical testing. Allele origin: germline.
Comment: This variant, c.770_787del, results in the deletion of 6 amino acid(s) of the COL9A3 protein (p.Ile257_Gly262del), but otherwise preserves the integrity of the reading frame. This variant is not present in population databases (gnomAD no frequency). In summary, the available evidence is currently insufficient to determine the role of this variant in disease. Therefore, it has been classified as a Variant of Uncertain Significance. Experimental studies and prediction algorithms are not available or were not evaluated, and the functional significance of this variant is currently unknown. This variant has not been reported in the literature in individuals affected with COL9A3-related conditions.